The following is an entry in ClinVar:

ClinVar aggregate classification (germline): Uncertain significance (1 of 4 stars; one submission).

Conditions:
Familial hypocalciuric hypercalcemia (FHH). Also called: Familial benign hypercalcemia. Identifiers: Orphanet 405, MedGen C1809471, MONDO:0018458.
Autosomal dominant hypocalcemia 1 (HYPOC1). Also called: HYPOCALCEMIA, FAMILIAL. Identifiers: MedGen C3715128, MONDO:0011013, OMIM 601198.

Submission:

Labcorp Genetics (formerly Invitae), Labcorp
Classification: Uncertain significance for Familial hypocalciuric hypercalcemia; Autosomal dominant hypocalcemia 1. Last evaluated: 2023-07-25. Review status: criteria provided, single submitter. Criteria: Invitae Variant Classification Sherloc (09022015). Collection method: clinical testing. Allele origin: germline.
Comment: This sequence change replaces tyrosine, which is neutral and polar, with asparagine, which is neutral and polar, at codon 218 of the CASR protein (p.Tyr218Asn). This variant is not present in population databases (gnomAD no frequency). This missense change has been observed in individual(s) with clinical features of hypocalciuric hypercalcemia (PMID: 26963950, 32347971; Invitae). An algorithm developed to predict the effect of missense changes on protein structure and function (PolyPhen-2) suggests that this variant is likely to be disruptive. This variant disrupts the p.Tyr218 amino acid residue in CASR. Other variant(s) that disrupt this residue have been determined to be pathogenic (PMID: 12580936, 19759318, 25104082, 26963950, 32347971). This suggests that this residue is clinically significant, and that variants that disrupt this residue are likely to be disease-causing. In summary, the available evidence is currently insufficient to determine the role of this variant in disease. Therefore, it has been classified as a Variant of Uncertain Significance.

Literature cited by the submitters: PubMed 26963950; PubMed 32347971; PubMed 12580936; PubMed 19759318; PubMed 25104082.

NM_000388.4(CASR):c.652T>A (p.Tyr218Asn)

Gene: CASR (calcium sensing receptor; plus strand). Cytogenetic location: 3q21.1.
Variant type: single nucleotide variant.
Coding change: c.652T>A on transcript NM_000388.4 (MANE Select); coding-DNA position 652, T replaced by A.
Protein change: p.Tyr218Asn; replaces tyrosine 218 with asparagine.
Molecular consequence: missense variant.
Genome position (GRCh38, 1-based): chr3:122,261,687, T>A. VCF-style: chr3-122261687-T-A. GRCh37 (hg19) VCF-style: chr3-121980534-T-A.
Other names: c.652T>A, p.Tyr218Asn (NM_001178065.2); short protein forms Y218N.
Identifiers: ClinVar variation 2925359 (VCV002925359.3), dbSNP rs1057520583, ClinGen allele CA354151053.